The following is an entry in ClinVar:

ClinVar aggregate classification (germline): Pathogenic (1 of 4 stars; one submission).

Conditions:
Glycine encephalopathy. Also called: Non-ketotic hyperglycinemia; Nonketotic hyperglycinemia. Identifiers: Orphanet 407, MedGen C0751748, MONDO:0011612, HP:0008288.

Submission:

Labcorp Genetics (formerly Invitae), Labcorp
Classification: Pathogenic for Glycine encephalopathy. Last evaluated: 2024-02-22. Review status: criteria provided, single submitter. Criteria: Invitae Variant Classification Sherloc (09022015). Collection method: clinical testing. Allele origin: germline.
Comment: This sequence change creates a premature translational stop signal (p.Ser419*) in the GLDC gene. It is expected to result in an absent or disrupted protein product. Loss-of-function variants in GLDC are known to be pathogenic (PMID: 16601880). This variant is not present in population databases (gnomAD no frequency). This premature translational stop signal has been observed in individual(s) with glycine encephalopathy (PMID: 27362913, 29046206). In at least one individual the data is consistent with being in trans (on the opposite chromosome) from a pathogenic variant. It has also been observed to segregate with disease in related individuals. ClinVar contains an entry for this variant (Variation ID: 1452234). For these reasons, this variant has been classified as Pathogenic.

Literature cited by the submitters: PubMed 16601880; PubMed 27362913; PubMed 29046206.

NM_000170.3(GLDC):c.1256C>G (p.Ser419Ter)

Gene: GLDC (glycine decarboxylase; minus strand). Cytogenetic location: 9p24.1.
Variant type: single nucleotide variant.
Coding change: c.1256C>G on transcript NM_000170.3 (MANE Select); coding-DNA position 1256, C replaced by G.
Protein change: p.Ser419Ter; replaces serine 419 with a stop codon.
Molecular consequence: nonsense.
Genome position (GRCh38, 1-based): chr9:6,595,019, G>C on the plus strand (C>G on the coding strand, the complement: GLDC is on the minus strand). VCF-style: chr9-6595019-G-C. GRCh37 (hg19) VCF-style: chr9-6595019-G-C.
Other names: short protein forms S419*.
Identifiers: ClinVar variation 1452234 (VCV001452234.9), dbSNP rs1227030484, ClinGen allele CA372894208.